The following is an entry in ClinVar:

ClinVar aggregate classification (germline): Conflicting classifications of pathogenicity. Review status: criteria provided, conflicting classifications (1 of 4 stars). 3 submissions from 3 submitters: Uncertain significance (2); Likely benign (1). Last evaluated 2026-08-03.

Conditions:
DNMT1-related disorder. Also called: DNMT1-related condition. Identifiers: MedGen CN381527.
Hereditary sensory neuropathy-deafness-dementia syndrome. Also called: Hereditary Sensory and Autonomic Neuropathy Type 1E (HSAN1E); HSN IE; Hereditary sensory neuropathy type IE; NEUROPATHY, HEREDITARY SENSORY, WITH HEARING LOSS AND DEMENTIA. Identifiers: Orphanet 456318, MedGen C3279885, MONDO:0013584, OMIM 614116.
Autosomal dominant cerebellar ataxia, deafness and narcolepsy. Also called: Autosomal Dominant Cerebellar Ataxia, Deafness, and Narcolepsy (ADCA-DN). Identifiers: Orphanet 314404, MedGen C4302668, MONDO:0011397, OMIM 604121.

Allele frequency attached by ClinVar (database versions not stated): TOPMed 0.00003; ExAC 0.00004; gnomAD exomes 0.00004; gnomAD 0.00006.
gnomAD v4.1: 148 of 1,611,884 alleles (0.0092%); highest among the groups gnomAD compares: Non-Finnish European, 0.012%; no homozygotes.

Submissions (3):

PreventionGenetics, part of Exact Sciences
Classification: Uncertain significance for DNMT1-related condition. Last evaluated: 2026-08-03. Review status: criteria provided, single submitter. Criteria: ACMG Guidelines, 2015. Collection method: clinical testing. Allele origin: germline.
Comment: The DNMT1 c.4483G>A variant is predicted to result in the amino acid substitution p.Val1495Met. To our knowledge, this variant has not been reported in the literature. This variant is reported in 0.0087% of alleles in individuals of European (non-Finnish) descent in gnomAD. At this time, the clinical significance of this variant is uncertain due to the absence of conclusive functional and genetic evidence.

Labcorp Genetics (formerly Invitae), Labcorp
Classification: Likely benign for Hereditary sensory neuropathy-deafness-dementia syndrome. Last evaluated: 2025-09-25. Review status: criteria provided, single submitter. Criteria: Invitae Variant Classification Sherloc (09022015). Collection method: clinical testing. Allele origin: germline.

Fulgent Genetics
Classification: Uncertain significance for Autosomal dominant cerebellar ataxia, deafness and narcolepsy; Hereditary sensory neuropathy-deafness-dementia syndrome. Last evaluated: 2021-10-05. Review status: criteria provided, single submitter. Criteria: ACMG Guidelines, 2015. Collection method: clinical testing. Allele origin: unknown.

NM_001130823.3(DNMT1):c.4483G>A (p.Val1495Met)

Gene: DNMT1 (DNA methyltransferase 1; minus strand). Cytogenetic location: 19p13.2.
Variant type: single nucleotide variant.
Coding change: c.4483G>A on transcript NM_001130823.3 (MANE Select); coding-DNA position 4483, G replaced by A.
Protein change: p.Val1495Met; replaces valine 1495 with methionine.
Molecular consequence: missense variant.
Genome position (GRCh38, 1-based): chr19:10,137,091, C>T on the plus strand (G>A on the coding strand, the complement: DNMT1 is on the minus strand). VCF-style: chr19-10137091-C-T. GRCh37 (hg19) VCF-style: chr19-10247767-C-T.
Other names: c.4435G>A, p.Val1479Met (NM_001318730.2, NM_001379.4); c.4120G>A, p.Val1374Met (NM_001318731.2); c.4483G>A (LRG_362t1, NM_001130823.2); short protein forms V1495M, V1374M, V1479M.
Identifiers: ClinVar variation 472277 (VCV000472277.13), dbSNP rs781301028, ClinGen allele CA9187508.
Genomic context (GRCh38, chr19:10,137,091, plus strand): 5'-GGCTCTGCCTTCCTTCCCCTCAGCCCACCGGGAACCACAACTTACAGGACCCACCTTCCA[C>T]GCAGGAGCAGACCCCACGGAGGGCCCCAGAGCTGCTGCGGCCGTTCTTCCTGTCATGGTG-3'
Protein context (NP_001124295.1, residues 1485-1505): SGALRGVCSC[Val1495Met]EAGKACDPAA